The following is an entry in ClinVar:

ClinVar aggregate classification (germline): Uncertain significance (1 of 4 stars; one submission).

Conditions:
Neuropathy, hereditary sensory and autonomic, type 2A (HSAN2A). Also called: ACROOSTEOLYSIS, GIACCAI TYPE; ACROOSTEOLYSIS, NEUROGENIC; WNK1-Related HSAN2 (HSAN2A); MORVAN DISEASE; NEUROPATHY, CONGENITAL SENSORY; NEUROPATHY, HEREDITARY SENSORY RADICULAR, AUTOSOMAL RECESSIVE. Identifiers: Orphanet 970, MedGen C2752089, MONDO:0024309, OMIM 201300.
Generalized epilepsy with febrile seizures plus, type 7 (GEFSP7). Also called: GEFS+, TYPE 7. Identifiers: Orphanet 36387, MedGen C2751778, MONDO:0013470, OMIM 613863.

Submission:

Labcorp Genetics (formerly Invitae), Labcorp
Classification: Uncertain significance for Neuropathy, hereditary sensory and autonomic, type 2A; Generalized epilepsy with febrile seizures plus, type 7. Last evaluated: 2024-12-18. Review status: criteria provided, single submitter. Criteria: Invitae Variant Classification Sherloc (09022015). Collection method: clinical testing. Allele origin: germline.
Comment: This sequence change replaces proline, which is neutral and non-polar, with leucine, which is neutral and non-polar, at codon 1286 of the SCN9A protein (p.Pro1286Leu). This variant is not present in population databases (gnomAD no frequency). This variant has not been reported in the literature in individuals affected with SCN9A-related conditions. Invitae Evidence Modeling of protein sequence and biophysical properties (such as structural, functional, and spatial information, amino acid conservation, physicochemical variation, residue mobility, and thermodynamic stability) has been performed for this missense variant. However, the output from this modeling did not meet the statistical confidence thresholds required to predict the impact of this variant on SCN9A protein function. In summary, the available evidence is currently insufficient to determine the role of this variant in disease. Therefore, it has been classified as a Variant of Uncertain Significance.

NM_001365536.1(SCN9A):c.3890C>T (p.Pro1297Leu)

Genes: SCN9A (sodium voltage-gated channel alpha subunit 9; minus strand), SCN1A-AS1 (SCN1A and SCN9A antisense RNA 1; plus strand). Cytogenetic location: 2q24.3.
Variant type: single nucleotide variant.
Coding change: c.3890C>T on transcript NM_001365536.1 (MANE Select); coding-DNA position 3890, C replaced by T.
Protein change: p.Pro1297Leu; replaces proline 1297 with leucine.
Molecular consequence: missense variant.
Genome position (GRCh38, 1-based): chr2:166,233,374, G>A on the plus strand (C>T on the coding strand, the complement: SCN9A is on the minus strand). VCF-style: chr2-166233374-G-A. GRCh37 (hg19) VCF-style: chr2-167089884-G-A.
Other names: c.3857C>T, p.Pro1286Leu (NM_002977.4); short protein forms P1286L, P1297L.
Identifiers: ClinVar variation 3758912 (VCV003758912.2).